The following is an entry in ClinVar:

NM_001374736.1(DST):c.17016A>C (p.Thr5672=)

Gene: DST (dystonin; minus strand). Cytogenetic location: 6p12.1.
Variant type: single nucleotide variant.
Coding change: c.17016A>C on transcript NM_001374736.1 (MANE Select); coding-DNA position 17016, A replaced by C.
Protein change: p.Thr5672=; no amino-acid change (threonine 5672 retained).
Molecular consequence: synonymous variant.
Genome position (GRCh38, 1-based): chr6:56,532,436, T>G on the plus strand (A>C on the coding strand, the complement: DST is on the minus strand). VCF-style: chr6-56532436-T-G. GRCh37 (hg19) VCF-style: chr6-56397234-T-G.
Other names: c.10659A>C, p.Thr3553= (NM_001144769.5); c.10245A>C, p.Thr3415= (NM_001144770.2); c.17016A>C, p.Thr5672= (NM_001374722.1); c.16383A>C, p.Thr5461= (NM_001374729.1); c.10125A>C, p.Thr3375= (NM_001374730.1, NM_001386100.1, NM_183380.4); c.17043A>C, p.Thr5681= (NM_001374734.1); c.9147A>C, p.Thr3049= (NM_015548.5).
Identifiers: ClinVar variation 1879662 (VCV001879662.29), dbSNP rs2096912333, ClinGen allele CA450486374.

ClinVar aggregate classification (germline): Likely benign (1 of 4 stars; one submission).

Allele frequency attached by ClinVar (database versions not stated): gnomAD exomes below 0.00001.
gnomAD v4.1: 3 of 1,613,122 alleles (0.00019%); highest among the groups gnomAD compares: Non-Finnish European, 0.000085%; no homozygotes.

Submission:

CeGaT Center for Human Genetics Tuebingen
Classification: Likely benign. Last evaluated: 2026-09-01. Review status: criteria provided, single submitter. Criteria: CeGaT Center For Human Genetics Tuebingen Variant Classification Criteria Version 2. Collection method: clinical testing. Allele origin: germline. Affected: yes. Observed: 2 variant alleles.
Comment: DST: BP4, BP7